The following is an entry in ClinVar:

ClinVar aggregate classification (germline): Likely benign (1 of 4 stars; one submission).

gnomAD v4.1: 29 of 1,613,300 alleles (0.0018%); highest among the groups gnomAD compares: Admixed American, 0.0067%; no homozygotes.

Submission:

CeGaT Center for Human Genetics Tuebingen
Classification: Likely benign. Last evaluated: 2026-03-01. Review status: criteria provided, single submitter. Criteria: CeGaT Center For Human Genetics Tuebingen Variant Classification Criteria Version 2. Collection method: clinical testing. Allele origin: germline. Affected: yes. Observed: 1 variant allele.
Comment: NHERF2: BP4, BP7

NM_001130012.3(NHERF2):c.663C>T (p.Asp221=)

Gene: NHERF2 (NHERF family PDZ scaffold protein 2; plus strand). Cytogenetic location: 16p13.3.
Variant type: single nucleotide variant.
Coding change: c.663C>T on transcript NM_001130012.3 (MANE Select); coding-DNA position 663, C replaced by T.
Protein change: p.Asp221=; no amino-acid change (aspartic acid 221 retained).
Molecular consequence: synonymous variant.
Genome position (GRCh38, 1-based): chr16:2,036,796, C>T. VCF-style: chr16-2036796-C-T. GRCh37 (hg19) VCF-style: chr16-2086797-C-T.
Other names: c.330C>T, p.Asp110= (NM_001252073.2, NM_001252076.2); c.324C>T, p.Asp108= (NM_001252075.2); c.663C>T, p.Asp221= (NM_004785.6).
Identifiers: ClinVar variation 4821546 (VCV004821546.4).
Genomic context (GRCh38, chr16:2,036,796, plus strand): 5'-GCAGAATGTGGAGGGACTGCGCCATGCTGAGGTGGTGGCCAGCATCAAGGCACGGGAGGA[C>T]GAGGCCCGGCTGCTGGTCGTGGACCCCGAGACAGATGAACACTTCAAGCGGCTTCGGGTC-3'
Protein context (NP_001123484.1, residues 211-231): EVVASIKARE[Asp221=]EARLLVVDPE